The following is an entry in ClinVar:

NM_006766.5(KAT6A):c.4277A>T (p.Gln1426Leu)

Gene: KAT6A (lysine acetyltransferase 6A; minus strand). Cytogenetic location: 8p11.21.
Variant type: single nucleotide variant.
Coding change: c.4277A>T on transcript NM_006766.5 (MANE Select); coding-DNA position 4277, A replaced by T.
Protein change: p.Gln1426Leu; replaces glutamine 1426 with leucine.
Molecular consequence: missense variant.
Genome position (GRCh38, 1-based): chr8:41,933,943, T>A on the plus strand (A>T on the coding strand, the complement: KAT6A is on the minus strand). VCF-style: chr8-41933943-T-A. GRCh37 (hg19) VCF-style: chr8-41791461-T-A.
Other names: short protein forms Q1426L.
Identifiers: ClinVar variation 3661473 (VCV003661473.2).

ClinVar aggregate classification (germline): Uncertain significance (1 of 4 stars; one submission).

Submission:

Labcorp Genetics (formerly Invitae), Labcorp
Classification: Uncertain significance. Last evaluated: 2024-08-06. Review status: criteria provided, single submitter. Criteria: Invitae Variant Classification Sherloc (09022015). Collection method: clinical testing. Allele origin: germline.
Comment: This sequence change replaces glutamine, which is neutral and polar, with leucine, which is neutral and non-polar, at codon 1426 of the KAT6A protein (p.Gln1426Leu). This variant is not present in population databases (gnomAD no frequency). This variant has not been reported in the literature in individuals affected with KAT6A-related conditions. Advanced modeling of protein sequence and biophysical properties (such as structural, functional, and spatial information, amino acid conservation, physicochemical variation, residue mobility, and thermodynamic stability) has been performed at Invitae for this missense variant, however the output from this modeling did not meet the statistical confidence thresholds required to predict the impact of this variant on KAT6A protein function. In summary, the available evidence is currently insufficient to determine the role of this variant in disease. Therefore, it has been classified as a Variant of Uncertain Significance.